The following is an entry in ClinVar:

ClinVar aggregate classification (germline): Uncertain significance. Review status: criteria provided, multiple submitters, no conflicts (2 of 4 stars). 2 submissions from 2 submitters: Uncertain significance (2). Last evaluated 2025-11-19.

Conditions:
Inborn genetic diseases. Identifiers: MedGen C0950123, MeSH D030342.

Allele frequency attached by ClinVar (database versions not stated): TOPMed 0.00001.
gnomAD v4.1: 3 of 1,613,776 alleles (0.00019%); highest among the groups gnomAD compares: Admixed American, 0.005%; no homozygotes.

Submissions (2):

Ambry Genetics
Classification: Uncertain significance for Inborn genetic diseases. Last evaluated: 2025-11-19. Review status: criteria provided, single submitter. Criteria: Ambry Variant Classification Scheme 2023. Collection method: clinical testing. Allele origin: germline.

Labcorp Genetics (formerly Invitae), Labcorp
Classification: Uncertain significance. Last evaluated: 2023-05-15. Review status: criteria provided, single submitter. Criteria: Invitae Variant Classification Sherloc (09022015). Collection method: clinical testing. Allele origin: germline.
Comment: ClinVar contains an entry for this variant (Variation ID: 1427463). This sequence change replaces alanine, which is neutral and non-polar, with glutamic acid, which is acidic and polar, at codon 185 of the CYP4V2 protein (p.Ala185Glu). This variant is present in population databases (rs758719879, gnomAD 0.003%). This variant has not been reported in the literature in individuals affected with CYP4V2-related conditions. In summary, the available evidence is currently insufficient to determine the role of this variant in disease. Therefore, it has been classified as a Variant of Uncertain Significance. Advanced modeling of protein sequence and biophysical properties (such as structural, functional, and spatial information, amino acid conservation, physicochemical variation, residue mobility, and thermodynamic stability) has been performed at Invitae for this missense variant, however the output from this modeling did not meet the statistical confidence thresholds required to predict the impact of this variant on CYP4V2 protein function.

NM_207352.4(CYP4V2):c.554C>A (p.Ala185Glu)

Gene: CYP4V2 (cytochrome P450 family 4 subfamily V member 2; plus strand). Cytogenetic location: 4q35.1.
Variant type: single nucleotide variant.
Coding change: c.554C>A on transcript NM_207352.4 (MANE Select); coding-DNA position 554, C replaced by A.
Protein change: p.Ala185Glu; replaces alanine 185 with glutamic acid.
Molecular consequence: missense variant.
Genome position (GRCh38, 1-based): chr4:186,197,080, C>A. VCF-style: chr4-186197080-C-A. GRCh37 (hg19) VCF-style: chr4-187118234-C-A.
Other names: c.554C>A (NM_207352.3); short protein forms A185E.
Identifiers: ClinVar variation 1427463 (VCV001427463.7), dbSNP rs758719879, ClinGen allele CA3162583.